The following is an entry in ClinVar:

ClinVar aggregate classification (germline): Pathogenic/Likely pathogenic. Review status: criteria provided, multiple submitters, no conflicts (2 of 4 stars). 2 submissions from 2 submitters: Pathogenic (1); Likely pathogenic (1). Last evaluated 2024-03-19.

Conditions:
Central core myopathy (CMYO1A). Also called: CONGENITAL MYOPATHY 1A, AUTOSOMAL DOMINANT, WITH SUSCEPTIBILITY TO MALIGNANT HYPERTHERMIA; Central core disease; Myopathy, central fibrillar. Identifiers: Orphanet 597, MedGen C5830701, MONDO:0007294, OMIM 117000.
RYR1-related disorder. Also called: RYR1-related condition; RYR1-related disorders. Identifiers: MedGen CN239331.

Allele frequency attached by ClinVar (database versions not stated): ExAC 0.00001; gnomAD 0.00001; gnomAD exomes 0.00001; TOPMed 0.00001; ESP Exome Variant Server 0.00008.

Submissions (2):

Institute of Human Genetics, University of Leipzig Medical Center
Classification: Likely pathogenic for Central core myopathy. Last evaluated: 2024-03-19. Review status: criteria provided, single submitter. Criteria: ACMG Guidelines, 2015. Collection method: clinical testing. Allele origin: unknown. Inheritance: Autosomal dominant inheritance. Affected: yes.
Comment: Criteria applied: PVS1,PS4_SUP

Labcorp Genetics (formerly Invitae), Labcorp
Classification: Pathogenic for RYR1-related disorder. Last evaluated: 2023-01-20. Review status: criteria provided, single submitter. Criteria: Invitae Variant Classification Sherloc (09022015). Collection method: clinical testing. Allele origin: germline.
Comment: For these reasons, this variant has been classified as Pathogenic. This variant has not been reported in the literature in individuals affected with RYR1-related conditions. This variant is present in population databases (rs767861590, gnomAD 0.0009%). This sequence change creates a premature translational stop signal (p.Ile3484Asnfs*64) in the RYR1 gene. It is expected to result in an absent or disrupted protein product. Loss-of-function variants in RYR1 are known to be pathogenic (PMID: 20583297, 20839240, 23919265, 28818389).

Literature cited by the submitters: PubMed 20583297 (cited by Labcorp Genetics (formerly Invitae), Labcorp); PubMed 20839240 (cited by Labcorp Genetics (formerly Invitae), Labcorp); PubMed 23919265 (cited by Labcorp Genetics (formerly Invitae), Labcorp); PubMed 28818389 (cited by Labcorp Genetics (formerly Invitae), Labcorp).

NM_000540.3(RYR1):c.10450dup (p.Ile3484fs)

Gene: RYR1 (ryanodine receptor 1; plus strand). Cytogenetic location: 19q13.2.
Variant type: Duplication.
Coding change: c.10450dup on transcript NM_000540.3 (MANE Select); coding-DNA position 10450, one base duplicated (A; older notation c.10450dupA).
Protein change: p.Ile3484fs; shifts the reading frame from isoleucine 3484.
Molecular consequence: frameshift variant. On other transcripts: intron variant (1).
Genome position (GRCh38, 1-based): chr19:38,523,924, A duplicated. VCF-style (leftmost placement, unchanged base first): chr19-38523923-T-TA. GRCh37 (hg19) VCF-style: chr19-39014563-T-TA.
Other names: c.10440+615dup (NM_001042723.2); short protein forms I3484fs.
Identifiers: ClinVar variation 2885872 (VCV002885872.4), dbSNP rs767861590, ClinGen allele CA053566.